The following is an entry in ClinVar:

ClinVar aggregate classification (germline): Uncertain significance. Review status: criteria provided, multiple submitters, no conflicts (2 of 4 stars). 2 submissions from 2 submitters: Uncertain significance (2). Last evaluated 2023-05-12.

Conditions:
Autosomal dominant hypocalcemia 1 (HYPOC1). Also called: HYPOCALCEMIA, FAMILIAL. Identifiers: MedGen C3715128, MONDO:0011013, OMIM 601198.
Familial hypocalciuric hypercalcemia (FHH). Also called: Familial benign hypercalcemia. Identifiers: Orphanet 405, MedGen C1809471, MONDO:0018458.
Familial hypocalciuric hypercalcemia 1. Also called: Hypercalcemia, familial benign type 1. Identifiers: Orphanet 405, Orphanet 93372, MedGen C0342637, MONDO:0007791, OMIM 145980.
Epilepsy, idiopathic generalized, susceptibility to, 8. Identifiers: MedGen C2752062, MONDO:0013032, OMIM 612899.
Neonatal severe primary hyperparathyroidism. Identifiers: Orphanet 417, MedGen C1832615, MONDO:0009397, OMIM 239200.

Submissions (2):

Labcorp Genetics (formerly Invitae), Labcorp
Classification: Uncertain significance for Familial hypocalciuric hypercalcemia; Autosomal dominant hypocalcemia 1. Last evaluated: 2023-05-12. Review status: criteria provided, single submitter. Criteria: Invitae Variant Classification Sherloc (09022015). Collection method: clinical testing. Allele origin: germline.
Comment: This variant has not been reported in the literature in individuals affected with CASR-related conditions. ClinVar contains an entry for this variant (Variation ID: 1504247). An algorithm developed to predict the effect of missense changes on protein structure and function (PolyPhen-2) suggests that this variant is likely to be disruptive. In summary, the available evidence is currently insufficient to determine the role of this variant in disease. Therefore, it has been classified as a Variant of Uncertain Significance. This sequence change replaces glutamic acid, which is acidic and polar, with aspartic acid, which is acidic and polar, at codon 475 of the CASR protein (p.Glu475Asp). This variant is not present in population databases (gnomAD no frequency).

Fulgent Genetics
Classification: Uncertain significance for Familial hypocalciuric hypercalcemia 1; Neonatal severe primary hyperparathyroidism; Autosomal dominant hypocalcemia 1; Epilepsy, idiopathic generalized, susceptibility to, 8. Last evaluated: 2021-11-30. Review status: criteria provided, single submitter. Criteria: ACMG Guidelines, 2015. Collection method: clinical testing. Allele origin: unknown.

NM_000388.4(CASR):c.1425G>T (p.Glu475Asp)

Gene: CASR (calcium sensing receptor; plus strand). Cytogenetic location: 3q21.1.
Variant type: single nucleotide variant.
Coding change: c.1425G>T on transcript NM_000388.4 (MANE Select); coding-DNA position 1425, G replaced by T.
Protein change: p.Glu475Asp; replaces glutamic acid 475 with aspartic acid.
Molecular consequence: missense variant.
Genome position (GRCh38, 1-based): chr3:122,275,859, G>T. VCF-style: chr3-122275859-G-T. GRCh37 (hg19) VCF-style: chr3-121994706-G-T.
Other names: c.1425G>T, p.Glu475Asp (NM_001178065.2); short protein forms E475D.
Identifiers: ClinVar variation 1504247 (VCV001504247.7), dbSNP rs2107643445, ClinGen allele CA354154965.